The following is an entry in ClinVar:

NM_001382273.1(TNK2):c.365G>C (p.Gly122Ala)

Gene: TNK2 (tyrosine kinase non receptor 2; minus strand). Cytogenetic location: 3q29.
Variant type: single nucleotide variant.
Coding change: c.365G>C on transcript NM_001382273.1 (MANE Select); coding-DNA position 365, G replaced by C.
Protein change: p.Gly122Ala; replaces glycine 122 with alanine.
Molecular consequence: missense variant. On other transcripts: non-coding transcript variant (15).
Genome position (GRCh38, 1-based): chr3:195,884,903, C>G on the plus strand (G>C on the coding strand, the complement: TNK2 is on the minus strand). VCF-style: chr3-195884903-C-G. GRCh37 (hg19) VCF-style: chr3-195611774-C-G.
Other names: c.554G>C (NM_001010938.1); c.437G>C, p.Gly146Ala (NM_001010938.2, NM_001382272.1, NM_001387708.1 and 1 more transcripts); c.461G>C, p.Gly154Ala (NM_001308046.2, NM_001382271.1, NM_001382275.1 and 1 more transcripts); c.365G>C, p.Gly122Ala (NM_001382274.1, NM_001386164.1, NM_001387709.1 and 12 more transcripts); short protein forms G146A, G122A, G154A.
Identifiers: ClinVar variation 1501702 (VCV001501702.7), dbSNP rs55647828, ClinGen allele CA2776880.

ClinVar aggregate classification (germline): Uncertain significance. Review status: criteria provided, multiple submitters, no conflicts (2 of 4 stars). 2 submissions from 2 submitters: Uncertain significance (2). Last evaluated 2025-03-12.

Allele frequency attached by ClinVar (database versions not stated): ESP Exome Variant Server 0.00015; 1000 Genomes Project 30x 0.00016; 1000 Genomes Project 0.00020; gnomAD 0.00020 and 0.00021; TOPMed 0.00023; ExAC 0.00024; gnomAD exomes 0.00024 and 0.00044.
gnomAD v4.1: 650 of 1,614,084 alleles (0.04%); highest among the groups gnomAD compares: Non-Finnish European, 0.053%; 1 homozygote.

Submissions (2):

Labcorp Genetics (formerly Invitae), Labcorp
Classification: Uncertain significance. Last evaluated: 2025-03-12. Review status: criteria provided, single submitter. Criteria: Invitae Variant Classification Sherloc (09022015). Collection method: clinical testing. Allele origin: germline.
Comment: This sequence change replaces glycine, which is neutral and non-polar, with alanine, which is neutral and non-polar, at codon 185 of the TNK2 protein (p.Gly185Ala). This variant is present in population databases (rs55647828, gnomAD 0.04%). This variant has not been reported in the literature in individuals affected with TNK2-related conditions. ClinVar contains an entry for this variant (Variation ID: 1501702). An algorithm developed to predict the effect of missense changes on protein structure and function (PolyPhen-2) suggests that this variant is likely to be tolerated. In summary, the available evidence is currently insufficient to determine the role of this variant in disease. Therefore, it has been classified as a Variant of Uncertain Significance.

Ambry Genetics
Classification: Uncertain significance. Last evaluated: 2024-01-08. Review status: criteria provided, single submitter. Criteria: Ambry Variant Classification Scheme 2023. Collection method: clinical testing. Allele origin: germline.